The following is an entry in ClinVar:

NM_007294.4(BRCA1):c.313T>G (p.Tyr105Asp)

Gene: BRCA1 (BRCA1 DNA repair associated; minus strand). Cytogenetic location: 17q21.31.
Variant type: single nucleotide variant.
Coding change: c.313T>G on transcript NM_007294.4 (MANE Select); coding-DNA position 313, T replaced by G.
Protein change: p.Tyr105Asp; replaces tyrosine 105 with aspartic acid.
Molecular consequence: missense variant. On other transcripts: 5 prime UTR variant (7), intron variant (2).
Genome position (GRCh38, 1-based): chr17:43,104,250, A>C on the plus strand (T>G on the coding strand, the complement: BRCA1 is on the minus strand). VCF-style: chr17-43104250-A-C. GRCh37 (hg19) VCF-style: chr17-41256267-A-C.
Other names: c.103T>G, p.Tyr35Asp (NM_001408492.1, NM_001408493.1, NM_001408502.1 and 58 more transcripts); c.313T>G, p.Tyr105Asp (NM_001408494.1, NM_001408495.1, NM_007298.4 and 164 more transcripts); c.172T>G, p.Tyr58Asp (NM_001408496.1, NM_001408497.1, NM_001408498.1 and 99 more transcripts); c.-69T>G (NM_001408510.1, NM_001408512.1, NM_001407959.1 and 4 more transcripts); c.-218-9390T>G (NM_001407967.1, NM_001407966.1); c.304T>G, p.Tyr102Asp (NM_001407646.1, NM_001407647.1, NM_001408408.1); c.235T>G, p.Tyr79Asp (NM_001407653.1, NM_001407654.1, NM_001407655.1 and 21 more transcripts); c.181T>G, p.Tyr61Asp (NM_001408451.1); short protein forms Y102D, Y58D, Y79D, Y105D, Y35D, Y61D.
Identifiers: ClinVar variation 3634711 (VCV003634711.2).
Genomic context (GRCh38, chr17:43,104,250, plus strand): 5'-TGATAGAAACTTCATCTTTTAGATGTTCAGGAGAGTTATTTTCCTTTTTTGCAAAATTAT[A>C]GCTGTTTGCATCTGTAAAATACAAGGGAAAACATTATGTTTGCAGTTAGAGAAAAATGTA-3'
Protein context (NP_009225.1, residues 95-115): LDTGLEYANS[Tyr105Asp]NFAKKENNSP

ClinVar aggregate classification (germline): Uncertain significance (1 of 4 stars; one submission).

Conditions:
Hereditary breast ovarian cancer syndrome. Also called: Hereditary breast and ovarian cancer syndrome; Hereditary breast and ovarian cancer syndrome (HBOC); BRCA1- and BRCA2-Associated Hereditary Breast and Ovarian Cancer; Hereditary breast and ovarian cancer; Breast and ovarian cancer; Hereditary breast and/or ovarian cancer syndrome. Identifiers: Orphanet 145, MedGen C0677776, MeSH D061325, MONDO:0003582. Disease mechanism: loss of function.

Submission:

Labcorp Genetics (formerly Invitae), Labcorp
Classification: Uncertain significance for Hereditary breast ovarian cancer syndrome. Last evaluated: 2024-03-20. Review status: criteria provided, single submitter. Criteria: Invitae Variant Classification Sherloc (09022015). Collection method: clinical testing. Allele origin: germline.
Comment: This sequence change replaces tyrosine, which is neutral and polar, with aspartic acid, which is acidic and polar, at codon 105 of the BRCA1 protein (p.Tyr105Asp). This variant is not present in population databases (gnomAD no frequency). This variant has not been reported in the literature in individuals affected with BRCA1-related conditions. Advanced modeling of protein sequence and biophysical properties (such as structural, functional, and spatial information, amino acid conservation, physicochemical variation, residue mobility, and thermodynamic stability) performed at Invitae indicates that this missense variant is not expected to disrupt BRCA1 protein function with a negative predictive value of 95%. In summary, the available evidence is currently insufficient to determine the role of this variant in disease. Therefore, it has been classified as a Variant of Uncertain Significance.